The following is an entry in ClinVar:

ClinVar aggregate classification (germline): Uncertain significance. Review status: criteria provided, multiple submitters, no conflicts (2 of 4 stars). 2 submissions from 2 submitters: Uncertain significance (2). Last evaluated 2023-10-03.

Conditions:
Osteogenesis imperfecta type 10 (OI10). Also called: OI, TYPE X. Identifiers: Orphanet 666, MedGen C3151211, MONDO:0013459, OMIM 613848.

Allele frequency attached by ClinVar (database versions not stated): gnomAD exomes 0.00002 and 0.00003; TOPMed 0.00008; ESP Exome Variant Server 0.00015; 1000 Genomes Project 30x 0.00016; 1000 Genomes Project 0.00020; gnomAD 0.00004 and 0.00005; ExAC 0.00007.
gnomAD v4.1: 52 of 1,614,208 alleles (0.0032%); highest among the groups gnomAD compares: Middle Eastern, 0.033%; no homozygotes.

Submissions (2):

Labcorp Genetics (formerly Invitae), Labcorp
Classification: Uncertain significance. Last evaluated: 2023-10-03. Review status: criteria provided, single submitter. Criteria: Invitae Variant Classification Sherloc (09022015). Collection method: clinical testing. Allele origin: germline.
Comment: This sequence change replaces arginine, which is basic and polar, with histidine, which is basic and polar, at codon 280 of the SERPINH1 protein (p.Arg280His). This variant is present in population databases (rs370057420, gnomAD 0.004%). This variant has not been reported in the literature in individuals affected with SERPINH1-related conditions. ClinVar contains an entry for this variant (Variation ID: 883897). Advanced modeling of protein sequence and biophysical properties (such as structural, functional, and spatial information, amino acid conservation, physicochemical variation, residue mobility, and thermodynamic stability) performed at Invitae indicates that this missense variant is not expected to disrupt SERPINH1 protein function. In summary, the available evidence is currently insufficient to determine the role of this variant in disease. Therefore, it has been classified as a Variant of Uncertain Significance.

Illumina Laboratory Services, Illumina
Classification: Uncertain significance for Osteogenesis imperfecta type 10. Last evaluated: 2017-04-27. Review status: criteria provided, single submitter. Criteria: ICSL Variant Classification Criteria 13 December 2019. Collection method: clinical testing. Allele origin: germline.

NM_001235.5(SERPINH1):c.839G>A (p.Arg280His)

Gene: SERPINH1 (serpin family H member 1; plus strand). Cytogenetic location: 11q13.5.
Variant type: single nucleotide variant.
Coding change: c.839G>A on transcript NM_001235.5 (MANE Select); coding-DNA position 839, G replaced by A.
Protein change: p.Arg280His; replaces arginine 280 with histidine.
Molecular consequence: missense variant.
Genome position (GRCh38, 1-based): chr11:75,569,056, G>A. VCF-style: chr11-75569056-G-A. GRCh37 (hg19) VCF-style: chr11-75280101-G-A.
Other names: c.839G>A, p.Arg280His (NM_001207014.3); short protein forms R280H.
Identifiers: ClinVar variation 883897 (VCV000883897.6), dbSNP rs370057420, ClinGen allele CA6190939.